The following is an entry in ClinVar:

ClinVar aggregate classification (germline): Uncertain significance. Review status: criteria provided, multiple submitters, no conflicts (2 of 4 stars). 4 submissions from 4 submitters: Uncertain significance (4). Last evaluated 2026-03-06.

Conditions:
Hereditary cancer-predisposing syndrome. Also called: Tumor predisposition; Neoplastic Syndromes, Hereditary; Hereditary Cancer Syndrome; Hereditary neoplastic syndrome. Identifiers: Orphanet 140162, MedGen C0027672, MeSH D009386, MONDO:0015356.
Nijmegen breakage syndrome-like disorder (NBSLD). Also called: MICROCEPHALY AND SPONTANEOUS CHROMOSOME INSTABILITY WITHOUT IMMUNODEFICIENCY; NBS-LIKE DISORDER; RAD50 DEFICIENCY. Identifiers: Orphanet 240760, MedGen C2751318, MONDO:0013118, OMIM 613078.

Allele frequency attached by ClinVar (database versions not stated): gnomAD exomes below 0.00001; ExAC 0.00001; gnomAD 0.00001; TOPMed 0.00002.
gnomAD v4.1: 4 of 1,613,818 alleles (0.00025%); highest among the groups gnomAD compares: African/African-American, 0.0027%; no homozygotes.

Submissions (4):

Women's Health and Genetics/Laboratory Corporation of America, LabCorp
Classification: Uncertain significance. Last evaluated: 2026-03-06. Review status: criteria provided, single submitter. Criteria: LabCorp Variant Classification Summary - May 2015. Collection method: clinical testing. Allele origin: germline.

Ambry Genetics
Classification: Uncertain significance for Hereditary cancer-predisposing syndrome. Last evaluated: 2025-07-21. Review status: criteria provided, single submitter. Criteria: Ambry Variant Classification Scheme 2023. Collection method: clinical testing. Allele origin: germline.
Comment: The p.R138Q variant (also known as c.413G>A), located in coding exon 4 of the RAD50 gene, results from a G to A substitution at nucleotide position 413. The arginine at codon 138 is replaced by glutamine, an amino acid with highly similar properties. This amino acid position is well conserved in available vertebrate species. In addition, this alteration is predicted to be tolerated by in silico analysis. Since supporting evidence is limited at this time, the clinical significance of this alteration remains unclear.

Labcorp Genetics (formerly Invitae), Labcorp
Classification: Uncertain significance for Hereditary cancer-predisposing syndrome. Last evaluated: 2025-06-18. Review status: criteria provided, single submitter. Criteria: Invitae Variant Classification Sherloc (09022015). Collection method: clinical testing. Allele origin: germline.
Comment: This sequence change replaces arginine, which is basic and polar, with glutamine, which is neutral and polar, at codon 138 of the RAD50 protein (p.Arg138Gln). This variant is present in population databases (rs587781571, gnomAD 0.004%). This variant has not been reported in the literature in individuals affected with RAD50-related conditions. ClinVar contains an entry for this variant (Variation ID: 141202). Invitae Evidence Modeling of protein sequence and biophysical properties (such as structural, functional, and spatial information, amino acid conservation, physicochemical variation, residue mobility, and thermodynamic stability) indicates that this missense variant is not expected to disrupt RAD50 protein function with a negative predictive value of 80%. In summary, the available evidence is currently insufficient to determine the role of this variant in disease. Therefore, it has been classified as a Variant of Uncertain Significance.

Baylor Genetics
Classification: Uncertain significance for Nijmegen breakage syndrome-like disorder. Last evaluated: 2023-05-12. Review status: criteria provided, single submitter. Criteria: ACMG Guidelines, 2015. Collection method: clinical testing. Allele origin: unknown.

NM_005732.4(RAD50):c.413G>A (p.Arg138Gln)

Gene: RAD50 (RAD50 double strand break repair protein; plus strand). Cytogenetic location: 5q31.1.
Variant type: single nucleotide variant.
Coding change: c.413G>A on transcript NM_005732.4 (MANE Select); coding-DNA position 413, G replaced by A.
Protein change: p.Arg138Gln; replaces arginine 138 with glutamine.
Molecular consequence: missense variant.
Genome position (GRCh38, 1-based): chr5:132,579,364, G>A. VCF-style: chr5-132579364-G-A. GRCh37 (hg19) VCF-style: chr5-131915056-G-A.
Other names: short protein forms R138Q.
Identifiers: ClinVar variation 141202 (VCV000141202.18), dbSNP rs587781571, ClinGen allele CA164758.